The following is an entry in ClinVar:

NM_015311.3(OBSL1):c.1755G>C (p.Glu585Asp)

Gene: OBSL1 (obscurin like cytoskeletal adaptor 1; minus strand). Cytogenetic location: 2q35.
Variant type: single nucleotide variant.
Coding change: c.1755G>C on transcript NM_015311.3 (MANE Select); coding-DNA position 1755, G replaced by C.
Protein change: p.Glu585Asp; replaces glutamic acid 585 with aspartic acid.
Molecular consequence: missense variant.
Genome position (GRCh38, 1-based): chr2:219,567,355, C>G on the plus strand (G>C on the coding strand, the complement: OBSL1 is on the minus strand). VCF-style: chr2-219567355-C-G. GRCh37 (hg19) VCF-style: chr2-220432077-C-G.
Other names: c.1755G>C, p.Glu585Asp (NM_001173408.2, NM_001173431.2); short protein forms E585D.
Identifiers: ClinVar variation 4891177 (VCV004891177.1).

ClinVar aggregate classification (germline): Uncertain significance (1 of 4 stars; one submission).

Submission:

Greenwood Genetic Center Diagnostic Laboratories, Greenwood Genetic Center
Classification: Uncertain significance. Last evaluated: 2026-06-23. Review status: criteria provided, single submitter. Criteria: ACMG Guidelines, 2015. Collection method: clinical testing. Allele origin: germline.
Comment: PM2